The following is an entry in ClinVar:

NM_024721.5(ZFHX4):c.7969C>T (p.Arg2657Ter)

Gene: ZFHX4 (zinc finger homeobox 4; plus strand). Cytogenetic location: 8q21.13.
Variant type: single nucleotide variant.
Coding change: c.7969C>T on transcript NM_024721.5 (MANE Select); coding-DNA position 7969, C replaced by T.
Protein change: p.Arg2657Ter; replaces arginine 2657 with a stop codon.
Molecular consequence: nonsense.
Genome position (GRCh38, 1-based): chr8:76,854,890, C>T. VCF-style: chr8-76854890-C-T. GRCh37 (hg19) VCF-style: chr8-77767126-C-T.
Other names: c.7891C>T, p.Arg2631Ter (NM_001410934.1); short protein forms R2631*, R2657*.
Identifiers: ClinVar variation 3900301 (VCV003900301.1).

ClinVar aggregate classification (germline): Uncertain significance (1 of 4 stars; one submission).

Submission:

GeneDx
Classification: Uncertain significance. Last evaluated: 2023-07-19. Review status: criteria provided, single submitter. Criteria: GeneDx Variant Classification Process June 2021. Collection method: clinical testing. Allele origin: germline. Affected: yes.
Comment: Variants in candidate genes are classified as variants of uncertain significance in accordance with ACMG guidelines (Richards et al., 2015); Nonsense variant predicted to result in protein truncation or nonsense mediated decay in a gene or region of a gene for which loss of function is not a well-established mechanism of disease; Not observed at significant frequency in large population cohorts (gnomAD); Has not been previously published as pathogenic or benign to our knowledge